The following is an entry in ClinVar:

NM_022124.6(CDH23):c.5746C>T (p.Arg1916Cys)

Gene: CDH23 (cadherin related 23; plus strand). Cytogenetic location: 10q22.1.
Variant type: single nucleotide variant.
Coding change: c.5746C>T on transcript NM_022124.6 (MANE Select); coding-DNA position 5746, C replaced by T.
Protein change: p.Arg1916Cys; replaces arginine 1916 with cysteine.
Molecular consequence: missense variant.
Genome position (GRCh38, 1-based): chr10:71,785,664, C>T. VCF-style: chr10-71785664-C-T. GRCh37 (hg19) VCF-style: chr10-73545421-C-T.
Other names: short protein forms R1916C.
Identifiers: ClinVar variation 965775 (VCV000965775.4), dbSNP rs780095045, ClinGen allele CA5545864.
Genomic context (GRCh38, chr10:71,785,664, plus strand): 5'-TGCAGCTCACCACCCTCCACATCCCAGACAGGGATCGTCACTGTGAACCGGCCCCTGGAC[C>T]GCGAGCGGATCCCAGAGTACAAGCTGACCATTTCTGTGAAGGACAACCCGGAGAATCCAC-3'
Protein context (NP_071407.4, residues 1906-1926): GIVTVNRPLD[Arg1916Cys]ERIPEYKLTI

ClinVar aggregate classification (germline): Uncertain significance (1 of 4 stars; one submission).

Allele frequency attached by ClinVar (database versions not stated): gnomAD exomes 0.00001; TOPMed below 0.00001; gnomAD 0.00001; ExAC 0.00002.

Submission:

Labcorp Genetics (formerly Invitae), Labcorp
Classification: Uncertain significance. Last evaluated: 2022-09-06. Review status: criteria provided, single submitter. Criteria: Invitae Variant Classification Sherloc (09022015). Collection method: clinical testing. Allele origin: germline.
Comment: This sequence change replaces arginine, which is basic and polar, with cysteine, which is neutral and slightly polar, at codon 1916 of the CDH23 protein (p.Arg1916Cys). The frequency data for this variant in the population databases is considered unreliable, as metrics indicate poor data quality at this position in the gnomAD database. This variant has not been reported in the literature in individuals affected with CDH23-related conditions. ClinVar contains an entry for this variant (Variation ID: 965775). Algorithms developed to predict the effect of missense changes on protein structure and function are either unavailable or do not agree on the potential impact of this missense change (SIFT: "Deleterious"; PolyPhen-2: "Not Available"; Align-GVGD: "Class C65"). In summary, the available evidence is currently insufficient to determine the role of this variant in disease. Therefore, it has been classified as a Variant of Uncertain Significance.